The following is an entry in ClinVar:

NM_002474.3(MYH11):c.760G>A (p.Gly254Ser)

Gene: MYH11 (myosin heavy chain 11; minus strand). Cytogenetic location: 16p13.11.
Variant type: single nucleotide variant.
Coding change: c.760G>A on transcript NM_002474.3 (MANE Select); coding-DNA position 760, G replaced by A.
Protein change: p.Gly254Ser; replaces glycine 254 with serine.
Molecular consequence: missense variant.
Genome position (GRCh38, 1-based): chr16:15,778,810, C>T on the plus strand (G>A on the coding strand, the complement: MYH11 is on the minus strand). VCF-style: chr16-15778810-C-T. GRCh37 (hg19) VCF-style: chr16-15872667-C-T.
Other names: c.781G>A, p.Gly261Ser (NM_001040113.2, NM_001040114.2); c.760G>A, p.Gly254Ser (NM_022844.3); short protein forms G254S, G261S.
Identifiers: ClinVar variation 3071719 (VCV003071719.1), dbSNP rs2506578329, ClinGen allele CA394870086.
Genomic context (GRCh38, chr16:15,778,810, plus strand): 5'-CCATTTGGCCCAGGCTCAGGGAAAGGATACAGGTCTCAATGTTGGCTCCCACGATGTAAC[C>T]CGTGACGTCGAAGTTGATGCGGATGAATTTGCCCTGCCAACAGGAAAACACAGTTCAGGC-3'
Protein context (NP_002465.1, residues 244-264): KFIRINFDVT[Gly254Ser]YIVGANIETY

ClinVar aggregate classification (germline): Uncertain significance (1 of 4 stars; one submission).

Conditions:
Familial thoracic aortic aneurysm and aortic dissection (TAAD). Also called: Thoracic aortic aneurysms and dissections. Identifiers: Orphanet 91387, MedGen C4707243, MONDO:0019625.

Allele frequency attached by ClinVar (database versions not stated): gnomAD exomes below 0.00001.
gnomAD v4.1: 3 of 1,614,070 alleles (0.00019%); highest among the groups gnomAD compares: Non-Finnish European, 0.00025%; no homozygotes.

Submission:

All of Us Research Program, National Institutes of Health
Classification: Uncertain significance for Familial thoracic aortic aneurysm and aortic dissection. Last evaluated: 2023-06-28. Review status: criteria provided, single submitter. Criteria: ACMG Guidelines, 2015. Collection method: clinical testing. Allele origin: germline. Inheritance: Autosomal dominant inheritance. Observed: 1 variant allele, 1 heterozygote.
Comment: This study involves interpretation of variants in research participants for the purpose of population health screening. Participant phenotype was not available at the time of variant classification. Additional details can be found in publication PMID: 35346344, PMCID: PMC8962531